The following is an entry in ClinVar:

NM_006579.3(EBP):c.77G>A (p.Arg26His)

Gene: EBP (EBP cholestenol delta-isomerase; plus strand). Cytogenetic location: Xp11.23.
Variant type: single nucleotide variant.
Coding change: c.77G>A on transcript NM_006579.3 (MANE Select); coding-DNA position 77, G replaced by A.
Protein change: p.Arg26His; replaces arginine 26 with histidine.
Molecular consequence: missense variant.
Genome position (GRCh38, 1-based): chrX:48,523,848, G>A. VCF-style: chrX-48523848-G-A. GRCh37 (hg19) VCF-style: chrX-48382236-G-A.
Other names: short protein forms R26H.
Identifiers: ClinVar variation 2912404 (VCV002912404.2), dbSNP rs782358140, ClinGen allele CA10402969.

ClinVar aggregate classification (germline): Uncertain significance (1 of 4 stars; one submission).

Allele frequency attached by ClinVar (database versions not stated): gnomAD 0.00004; ExAC 0.00005; gnomAD exomes 0.00006.

Submission:

Labcorp Genetics (formerly Invitae), Labcorp
Classification: Uncertain significance. Last evaluated: 2023-07-26. Review status: criteria provided, single submitter. Criteria: Invitae Variant Classification Sherloc (09022015). Collection method: clinical testing. Allele origin: germline.
Comment: Algorithms developed to predict the effect of missense changes on protein structure and function output the following: SIFT: "Not Available"; PolyPhen-2: "Benign"; Align-GVGD: "Not Available". The histidine amino acid residue is found in multiple mammalian species, which suggests that this missense change does not adversely affect protein function. In summary, the available evidence is currently insufficient to determine the role of this variant in disease. Therefore, it has been classified as a Variant of Uncertain Significance. This variant has not been reported in the literature in individuals affected with EBP-related conditions. This sequence change replaces arginine, which is basic and polar, with histidine, which is basic and polar, at codon 26 of the EBP protein (p.Arg26His). The frequency data for this variant in the population databases is considered unreliable, as metrics indicate poor data quality at this position in the gnomAD database.